The following is an entry in ClinVar:

ClinVar aggregate classification (germline): Likely benign. Review status: criteria provided, multiple submitters, no conflicts (2 of 4 stars). 2 submissions from 2 submitters: Likely benign (2). Last evaluated 2024-10-09.

Conditions:
Fanconi anemia complementation group J. Also called: BRIP1-Related Fanconi Anemia. Identifiers: Orphanet 84, MedGen C1836860, MONDO:0012187, OMIM 609054.
Familial cancer of breast. Also called: hereditary breast carcinoma; BREAST CANCER, FAMILIAL; Hereditary breast cancer. Identifiers: Orphanet 227535, MedGen C0346153, MONDO:0016419, OMIM 114480. Disease mechanism: loss of function.

gnomAD v4.1: 3 of 1,493,576 alleles (0.0002%); highest among the groups gnomAD compares: Non-Finnish European, 0.00028%; no homozygotes.

Submissions (2):

Labcorp Genetics (formerly Invitae), Labcorp
Classification: Likely benign for Familial cancer of breast; Fanconi anemia complementation group J. Last evaluated: 2024-10-09. Review status: criteria provided, single submitter. Criteria: Invitae Variant Classification Sherloc (09022015). Collection method: clinical testing. Allele origin: germline.

Myriad Genetics, Inc.
Classification: Likely benign for Familial cancer of breast. Last evaluated: 2024-08-09. Review status: criteria provided, single submitter. Criteria: Myriad Autosomal Dominant, Autosomal Recessive and X-Linked Classification Criteria (2023). Collection method: clinical testing. Allele origin: unknown.
Comment: This variant is considered likely benign. This variant is intronic and is not expected to impact mRNA splicing.

NM_032043.3(BRIP1):c.94-19T>C

Gene: BRIP1 (BRCA1 interacting DNA helicase 1; minus strand). Cytogenetic location: 17q23.2.
Variant type: single nucleotide variant.
Coding change: c.94-19T>C on transcript NM_032043.3 (MANE Select); 19 bases into the intron before coding-DNA position 94, T replaced by C.
Molecular consequence: intron variant.
Genome position (GRCh38, 1-based): chr17:61,859,926, A>G on the plus strand (T>C on the coding strand, the complement: BRIP1 is on the minus strand). VCF-style: chr17-61859926-A-G. GRCh37 (hg19) VCF-style: chr17-59937287-A-G.
Identifiers: ClinVar variation 3378674 (VCV003378674.3).